The following is an entry in ClinVar:

ClinVar aggregate classification (germline): Uncertain significance. Review status: criteria provided, multiple submitters, no conflicts (2 of 4 stars). 4 submissions from 4 submitters: Uncertain significance (4). Last evaluated 2024-10-15.

Conditions:
Hereditary cancer-predisposing syndrome. Also called: Neoplastic Syndromes, Hereditary; Tumor predisposition; Hereditary neoplastic syndrome; Hereditary Cancer Syndrome. Identifiers: Orphanet 140162, MedGen C0027672, MeSH D009386, MONDO:0015356.
Hereditary diffuse gastric adenocarcinoma (HDGC). Also called: DIFFUSE GASTRIC AND LOBULAR BREAST CANCER SYNDROME. Identifiers: Orphanet 26106, MedGen C1708349, MONDO:0007648, OMIM 137215.
Familial cancer of breast. Also called: BREAST CANCER, FAMILIAL; Hereditary breast cancer; hereditary breast carcinoma. Identifiers: Orphanet 227535, MedGen C0346153, MONDO:0016419, OMIM 114480. Disease mechanism: loss of function.

Allele frequency attached by ClinVar (database versions not stated): gnomAD exomes below 0.00001; TOPMed below 0.00001; ExAC 0.00001.

Submissions (4):

Labcorp Genetics (formerly Invitae), Labcorp
Classification: Uncertain significance for Hereditary diffuse gastric adenocarcinoma. Last evaluated: 2024-10-15. Review status: criteria provided, single submitter. Criteria: Invitae Variant Classification Sherloc (09022015). Collection method: clinical testing. Allele origin: germline.
Comment: This sequence change replaces threonine, which is neutral and polar, with serine, which is neutral and polar, at codon 576 of the CDH1 protein (p.Thr576Ser). This variant is present in population databases (rs759536558, gnomAD 0.003%). This variant has not been reported in the literature in individuals affected with CDH1-related conditions. ClinVar contains an entry for this variant (Variation ID: 239887). An algorithm developed to predict the effect of missense changes on protein structure and function (PolyPhen-2) suggests that this variant is likely to be tolerated. In summary, the available evidence is currently insufficient to determine the role of this variant in disease. Therefore, it has been classified as a Variant of Uncertain Significance.

Ambry Genetics
Classification: Uncertain significance for Hereditary cancer-predisposing syndrome. Last evaluated: 2024-04-25. Review status: criteria provided, single submitter. Criteria: Ambry Variant Classification Scheme 2023. Collection method: clinical testing. Allele origin: germline.
Comment: The p.T576S variant (also known as c.1726A>T), located in coding exon 12 of the CDH1 gene, results from an A to T substitution at nucleotide position 1726. The threonine at codon 576 is replaced by serine, an amino acid with similar properties. This amino acid position is highly conserved in available vertebrate species. In addition, this alteration is predicted to be tolerated by in silico analysis. Since supporting evidence is limited at this time, the clinical significance of this alteration remains unclear.

Baylor Genetics
Classification: Uncertain significance for Familial cancer of breast. Last evaluated: 2023-11-23. Review status: criteria provided, single submitter. Criteria: ACMG Guidelines, 2015. Collection method: clinical testing. Allele origin: unknown.

GeneDx
Classification: Uncertain significance. Last evaluated: 2022-03-03. Review status: criteria provided, single submitter. Criteria: GeneDx Variant Classification Process June 2021. Collection method: clinical testing. Allele origin: germline. Affected: yes.
Comment: Not observed at significant frequency in large population cohorts (gnomAD); In silico analysis supports that this missense variant does not alter protein structure/function; Has not been previously published as pathogenic or benign to our knowledge; This variant is associated with the following publications: (PMID: 15235021, 22850631)

NM_004360.5(CDH1):c.1726A>T (p.Thr576Ser)

Gene: CDH1 (cadherin 1; plus strand). Cytogenetic location: 16q22.1.
Variant type: single nucleotide variant.
Coding change: c.1726A>T on transcript NM_004360.5 (MANE Select); coding-DNA position 1726, A replaced by T.
Protein change: p.Thr576Ser; replaces threonine 576 with serine.
Molecular consequence: missense variant. On other transcripts: 5 prime UTR variant (1).
Genome position (GRCh38, 1-based): chr16:68,822,015, A>T. VCF-style: chr16-68822015-A-T. GRCh37 (hg19) VCF-style: chr16-68855918-A-T.
Other names: c.1726A>T (LRG_301t1); c.1543A>T, p.Thr515Ser (NM_001317184.2); c.178A>T, p.Thr60Ser (NM_001317185.2); c.-240A>T (NM_001317186.2); short protein forms T576S, T60S, T515S.
Identifiers: ClinVar variation 239887 (VCV000239887.17), dbSNP rs759536558, ClinGen allele CA8130145.